The following is an entry in ClinVar:

ClinVar aggregate classification (germline): Uncertain significance. Review status: criteria provided, multiple submitters, no conflicts (2 of 4 stars). 2 submissions from 2 submitters: Uncertain significance (2). Last evaluated 2022-06-24.

Conditions:
Charcot-Marie-Tooth disease type 2. Also called: Charcot-Marie-Tooth type 2. Identifiers: Orphanet 64746, MedGen C0270914, MONDO:0018993.

Allele frequency attached by ClinVar (database versions not stated): TOPMed 0.00005; ExAC 0.00002; gnomAD exomes 0.00003 and 0.00001; gnomAD 0.00004.
gnomAD v4.1: 15 of 1,612,852 alleles (0.00093%); highest among the groups gnomAD compares: African/African-American, 0.012%; no homozygotes.

Submissions (2):

Ambry Genetics
Classification: Uncertain significance. Last evaluated: 2022-06-24. Review status: criteria provided, single submitter. Criteria: Ambry Variant Classification Scheme 2023. Collection method: clinical testing. Allele origin: germline.

Labcorp Genetics (formerly Invitae), Labcorp
Classification: Uncertain significance for Charcot-Marie-Tooth disease type 2. Last evaluated: 2017-05-01. Review status: criteria provided, single submitter. Criteria: Invitae Variant Classification Sherloc (09022015). Collection method: clinical testing. Allele origin: germline.
Comment: In summary, this variant is a rare missense change with uncertain impact on protein function. There is no indication that it causes disease, but the available evidence is currently insufficient to prove that conclusively. Therefore, it has been classified as a Variant of Uncertain Significance. Algorithms developed to predict the effect of missense changes on protein structure and function (SIFT, PolyPhen-2, Align-GVGD) all suggest that this variant is likely to be disruptive, but these predictions have not been confirmed by published functional studies. This variant is present in population databases (rs780902152, ExAC 0.006%) but has not been reported in the literature in individuals with a GARS-related disease. This sequence change replaces tyrosine with cysteine at codon 261 of the GARS protein (p.Tyr261Cys). The tyrosine residue is highly conserved and there is a large physicochemical difference between tyrosine and cysteine.

NM_002047.4(GARS1):c.782A>G (p.Tyr261Cys)

Gene: GARS1 (glycyl-tRNA synthetase 1; plus strand). Cytogenetic location: 7p14.3.
Variant type: single nucleotide variant.
Coding change: c.782A>G on transcript NM_002047.4 (MANE Select); coding-DNA position 782, A replaced by G.
Protein change: p.Tyr261Cys; replaces tyrosine 261 with cysteine.
Molecular consequence: missense variant.
Genome position (GRCh38, 1-based): chr7:30,609,631, A>G. VCF-style: chr7-30609631-A-G. GRCh37 (hg19) VCF-style: chr7-30649247-A-G.
Other names: c.620A>G, p.Tyr207Cys (NM_001316772.1); c.782A>G (LRG_243t1); short protein forms Y261C, Y207C.
Identifiers: ClinVar variation 476761 (VCV000476761.9), dbSNP rs780902152, ClinGen allele CA4205825.